The following is an entry in ClinVar:

ClinVar aggregate classification (germline): Benign/Likely benign. Review status: criteria provided, multiple submitters, no conflicts (2 of 4 stars). 5 submissions from 5 submitters: Benign (3); Likely benign (2). Last evaluated 2025-11-25.

Allele frequency attached by ClinVar (database versions not stated): gnomAD exomes 0.00063 and 0.00159; ExAC 0.00192; ESP Exome Variant Server 0.00623; gnomAD 0.00690 and 0.00737; 1000 Genomes Project 0.00719; 1000 Genomes Project 30x 0.00750; TOPMed 0.00771.
gnomAD v4.1: 2,011 of 1,613,924 alleles (0.12%); highest among the groups gnomAD compares: African/African-American, 2.3%; 21 homozygotes.

Submissions (5):

Labcorp Genetics (formerly Invitae), Labcorp
Classification: Benign. Last evaluated: 2025-11-25. Review status: criteria provided, single submitter. Criteria: Invitae Variant Classification Sherloc (09022015). Collection method: clinical testing. Allele origin: germline.

Blueprint Genetics
Classification: Likely benign. Last evaluated: 2024-11-25. Review status: criteria provided, single submitter. Criteria: ACMG Guidelines, 2015. Collection method: clinical testing. Allele origin: germline.

Mayo Clinic Laboratories, Mayo Clinic
Classification: Benign. Last evaluated: 2024-06-24. Review status: criteria provided, single submitter. Criteria: ACMG Guidelines, 2015. Collection method: clinical testing. Allele origin: germline. Observed: 4 variant alleles.
Comment: BS1, BS2, BP4, PM1_supporting

Genetic Services Laboratory, University of Chicago
Classification: Benign. Last evaluated: 2018-03-29. Review status: criteria provided, single submitter. Criteria: ACMG Guidelines, 2015. Collection method: clinical testing. Allele origin: germline. Affected: no.

Breakthrough Genomics
Classification: Likely benign. Review status: criteria provided, single submitter. Criteria: ACMG Guidelines, 2015. Collection method: not provided. Allele origin: germline. Inheritance: Autosomal recessive inheritance. Affected: yes.

NM_000173.7(GP1BA):c.215G>A (p.Arg72His)

Gene: GP1BA (glycoprotein Ib platelet subunit alpha; plus strand). Cytogenetic location: 17p13.2.
Variant type: single nucleotide variant.
Coding change: c.215G>A on transcript NM_000173.7 (MANE Select); coding-DNA position 215, G replaced by A.
Protein change: p.Arg72His; replaces arginine 72 with histidine.
Molecular consequence: missense variant.
Genome position (GRCh38, 1-based): chr17:4,932,819, G>A. VCF-style: chr17-4932819-G-A. GRCh37 (hg19) VCF-style: chr17-4836114-G-A.
Other names: p.Arg72His; short protein forms R72H.
Identifiers: ClinVar variation 1338245 (VCV001338245.8), dbSNP rs6068, ClinGen allele CA8314721.